The following is an entry in ClinVar:

NM_004006.3(DMD):c.31+83105G>A

Gene: DMD (dystrophin; minus strand). Cytogenetic location: Xp21.1.
Variant type: single nucleotide variant.
Coding change: c.31+83105G>A on transcript NM_004006.3 (MANE Select); 83105 bases into the intron after coding-DNA position 31, G replaced by A.
Molecular consequence: intron variant. On other transcripts: 5 prime UTR variant (2).
Genome position (GRCh38, 1-based): chrX:33,128,177, C>T on the plus strand (G>A on the coding strand, the complement: DMD is on the minus strand). VCF-style: chrX-33128177-C-T. GRCh37 (hg19) VCF-style: chrX-33146294-C-T.
Other names: c.-12G>A (NM_004009.3); c.-453G>A (NM_004010.3); c.8-107977G>A (NM_000109.4).
Identifiers: ClinVar variation 228597 (VCV000228597.4), dbSNP rs772161214, ClinGen allele CA10577171.

ClinVar aggregate classification (germline): Uncertain significance (1 of 4 stars; one submission).

Allele frequency attached by ClinVar (database versions not stated): gnomAD 0.00002 and 0.00003; TOPMed 0.00001.
gnomAD v4.1: 9 of 1,203,258 alleles (0.00075%); highest among the groups gnomAD compares: African/African-American, 0.007%; no homozygotes.

Submission:

Laboratory for Molecular Medicine, Mass General Brigham Personalized Medicine
Classification: Uncertain significance. Last evaluated: 2015-08-13. Review status: criteria provided, single submitter. Criteria: LMM Criteria. Collection method: clinical testing. Allele origin: germline. Observed: 1 variant allele.
Comment: The c.-12G>A variant in DMD has not been previously reported in individuals with cardiomyopathy or in large population studies. This variant is located in the 5 ' UTR and is part of the translation initiation (Kozak) sequence, but its effect on translation is unknown. In summary, the clinical significance of the c.-12G> A variant is uncertain.